The following is an entry in ClinVar:

NM_016151.4(TAOK2):c.31_45del (p.Lys11_Val15del)

Gene: TAOK2 (TAO kinase 2; plus strand). Cytogenetic location: 16p11.2.
Variant type: Deletion.
Coding change: c.31_45del on transcript NM_016151.4 (MANE Select); coding-DNA positions 31 to 45, 15 bases deleted (AAGGACCCAGATGTG).
Protein change: p.Lys11_Val15del.
Molecular consequence: inframe deletion.
Genome position (GRCh38, 1-based): chr16:29,977,803-29,977,817, AAGGACCCAGATGTG deleted; deleting any 15 consecutive bases within chr16:29,977,801-29,977,817 gives the same sequence; the c. name uses the placement nearest the transcript's 3' end. VCF-style (leftmost placement, unchanged base first): chr16-29977800-CTGAAGGACCCAGATG-C. GRCh37 (hg19) VCF-style: chr16-29989121-CTGAAGGACCCAGATG-C.
Other names: c.31_45del, p.Lys11_Val15del (NM_001252043.2, NM_004783.4).
Identifiers: ClinVar variation 4698109 (VCV004698109.1).

ClinVar aggregate classification (germline): Uncertain significance (1 of 4 stars; one submission).

Submission:

Labcorp Genetics (formerly Invitae), Labcorp
Classification: Uncertain significance. Last evaluated: 2025-08-18. Review status: criteria provided, single submitter. Criteria: Invitae Variant Classification Sherloc (09022015). Collection method: clinical testing. Allele origin: germline.
Comment: This variant, c.31_45del, results in the deletion of 5 amino acid(s) of the TAOK2 protein (p.Lys11_Val15del), but otherwise preserves the integrity of the reading frame. This variant is not present in population databases (gnomAD no frequency). This variant has not been reported in the literature in individuals affected with TAOK2-related conditions. Experimental studies and prediction algorithms are not available or were not evaluated, and the functional significance of this variant is currently unknown. In summary, the available evidence is currently insufficient to determine the role of this variant in disease. Therefore, it has been classified as a Variant of Uncertain Significance.